The following is an entry in ClinVar:

NM_024675.4(PALB2):c.2497_2502del (p.Lys833_His834del)

Gene: PALB2 (partner and localizer of BRCA2; minus strand). Cytogenetic location: 16p12.2.
Variant type: Deletion.
Coding change: c.2497_2502del on transcript NM_024675.4 (MANE Select); coding-DNA positions 2497 to 2502, 6 bases deleted (AAACAT; older notation c.2497_2502delAAACAT).
Protein change: p.Lys833_His834del.
Molecular consequence: inframe deletion.
Genome position (GRCh38, 1-based): chr16:23,629,652-23,629,657, ATGTTT deleted on the plus strand (AAACAT on the coding strand, the reverse complement: PALB2 is on the minus strand); deleting any 6 consecutive bases within chr16:23,629,652-23,629,660 gives the same sequence; the c. name uses the placement nearest the transcript's 3' end. VCF-style (leftmost placement, unchanged base first): chr16-23629651-AATGTTT-A. GRCh37 (hg19) VCF-style: chr16-23640972-AATGTTT-A.
Identifiers: ClinVar variation 1510863 (VCV001510863.12), dbSNP rs2142371632, ClinGen allele CA2573152207.
Genomic context (GRCh38, chr16:23,629,651, plus strand): 5'-AGGCATTTCATTCCTTCAGAGAAAATTTCACAGAGGAAATGGATTGTACCTGTTCGACGG[AATGTTT>A]ATGCAGCTCCTGGCATGTGTTTCTACAGAGCTGATTTTCTTTAAAAGTGAATGACTCAAT-3'

ClinVar aggregate classification (germline): Uncertain significance. Review status: criteria provided, multiple submitters, no conflicts (2 of 4 stars). 2 submissions from 2 submitters: Uncertain significance (2). Last evaluated 2025-10-08.

Conditions:
Hereditary cancer-predisposing syndrome. Also called: Hereditary neoplastic syndrome; Neoplastic Syndromes, Hereditary; Tumor predisposition; Hereditary Cancer Syndrome. Identifiers: Orphanet 140162, MedGen C0027672, MeSH D009386, MONDO:0015356.
Familial cancer of breast. Also called: hereditary breast carcinoma; Hereditary breast cancer; BREAST CANCER, FAMILIAL. Identifiers: Orphanet 227535, MedGen C0346153, MONDO:0016419, OMIM 114480. Disease mechanism: loss of function.

Submissions (2):

Ambry Genetics
Classification: Uncertain significance for Hereditary cancer-predisposing syndrome. Last evaluated: 2025-10-08. Review status: criteria provided, single submitter. Criteria: Ambry Variant Classification Scheme 2023. Collection method: clinical testing. Allele origin: germline.
Comment: The c.2497_2502delAAACAT variant (also known as p.K833_H834del) is located in coding exon 5 of the PALB2 gene. This variant results from an in-frame AAACAT deletion at nucleotide positions 2497 to 2502. This results in the in-frame deletion of lysine and histidine residues at codons 833 and 834. This amino acid region is not well conserved in available vertebrate species. In addition, this alteration is predicted to be deleterious by in silico analysis (Choi Y et al. PLoS ONE. 2012; 7(10):e46688). Based on the available evidence, the clinical significance of this variant remains unclear.

Labcorp Genetics (formerly Invitae), Labcorp
Classification: Uncertain significance for Familial cancer of breast. Last evaluated: 2022-02-25. Review status: criteria provided, single submitter. Criteria: Invitae Variant Classification Sherloc (09022015). Collection method: clinical testing. Allele origin: germline.
Comment: In summary, the available evidence is currently insufficient to determine the role of this variant in disease. Therefore, it has been classified as a Variant of Uncertain Significance. Experimental studies and prediction algorithms are not available or were not evaluated, and the functional significance of this variant is currently unknown. This variant has not been reported in the literature in individuals affected with PALB2-related conditions. This variant is not present in population databases (gnomAD no frequency). This variant, c.2497_2502del, results in the deletion of 2 amino acid(s) of the PALB2 protein (p.Lys833_His834del), but otherwise preserves the integrity of the reading frame.